The following is an entry in ClinVar:

NM_138773.4(SLC25A46):c.203C>G (p.Thr68Ser)

Gene: SLC25A46 (solute carrier family 25 member 46; plus strand). Cytogenetic location: 5q22.1.
Variant type: single nucleotide variant.
Coding change: c.203C>G on transcript NM_138773.4 (MANE Select); coding-DNA position 203, C replaced by G.
Protein change: p.Thr68Ser; replaces threonine 68 with serine.
Molecular consequence: missense variant. On other transcripts: non-coding transcript variant (1), intron variant (1).
Genome position (GRCh38, 1-based): chr5:110,739,322, C>G. VCF-style: chr5-110739322-C-G. GRCh37 (hg19) VCF-style: chr5-110075023-C-G.
Other names: c.203C>G, p.Thr68Ser (NM_001303249.3); c.10+1075C>G (NM_001303250.3); short protein forms T68S.
Identifiers: ClinVar variation 958595 (VCV000958595.8), dbSNP rs763466158, ClinGen allele CA360693355.

ClinVar aggregate classification (germline): Uncertain significance (1 of 4 stars; one submission).

Conditions:
Neuropathy, hereditary motor and sensory, type 6B (HMSN6B). Also called: HMSN VIB; CHARCOT-MARIE-TOOTH DISEASE, TYPE 6B; Neuropathy, hereditary motor and sensory, type VIB; NEUROPATHY, HEREDITARY MOTOR AND SENSORY, TYPE VIB, WITH OPTIC ATROPHY. Identifiers: MedGen C4225302, MONDO:0014671, OMIM 616505.

Allele frequency attached by ClinVar (database versions not stated): TOPMed 0.00001.
gnomAD v4.1: 7 of 1,566,784 alleles (0.00045%); highest among the groups gnomAD compares: South Asian, 0.0012%; no homozygotes.

Submission:

Labcorp Genetics (formerly Invitae), Labcorp
Classification: Uncertain significance for Neuropathy, hereditary motor and sensory, type 6B. Last evaluated: 2022-09-29. Review status: criteria provided, single submitter. Criteria: Invitae Variant Classification Sherloc (09022015). Collection method: clinical testing. Allele origin: germline.
Comment: This sequence change replaces threonine, which is neutral and polar, with serine, which is neutral and polar, at codon 68 of the SLC25A46 protein (p.Thr68Ser). This variant is not present in population databases (gnomAD no frequency). In summary, the available evidence is currently insufficient to determine the role of this variant in disease. Therefore, it has been classified as a Variant of Uncertain Significance. Algorithms developed to predict the effect of sequence changes on RNA splicing suggest that this variant may create or strengthen a splice site. Algorithms developed to predict the effect of missense changes on protein structure and function output the following: SIFT: "Tolerated"; PolyPhen-2: "Benign"; Align-GVGD: "Class C0". The serine amino acid residue is found in multiple mammalian species, which suggests that this missense change does not adversely affect protein function. ClinVar contains an entry for this variant (Variation ID: 958595). This variant has not been reported in the literature in individuals affected with SLC25A46-related conditions.